The following is an entry in ClinVar:

ClinVar aggregate classification (germline): Uncertain significance (1 of 4 stars; one submission).

gnomAD v4.1: 1 of 1,536,506 alleles (0.000065%); highest among the groups gnomAD compares: Non-Finnish European, 0.000088%; no homozygotes.

Submission:

Labcorp Genetics (formerly Invitae), Labcorp
Classification: Uncertain significance. Last evaluated: 2025-06-01. Review status: criteria provided, single submitter. Criteria: Invitae Variant Classification Sherloc (09022015). Collection method: clinical testing. Allele origin: germline.
Comment: This sequence change replaces glycine, which is neutral and non-polar, with glutamic acid, which is acidic and polar, at codon 1403 of the OTOG protein (p.Gly1403Glu). This variant is not present in population databases (gnomAD no frequency). This variant has not been reported in the literature in individuals affected with OTOG-related conditions. An algorithm developed to predict the effect of missense changes on protein structure and function (PolyPhen-2) suggests that this variant is likely to be tolerated. In summary, the available evidence is currently insufficient to determine the role of this variant in disease. Therefore, it has been classified as a Variant of Uncertain Significance.

NM_001292063.2(OTOG):c.4172G>A (p.Gly1391Glu)

Gene: OTOG (otogelin; plus strand). Cytogenetic location: 11p15.1.
Variant type: single nucleotide variant.
Coding change: c.4172G>A on transcript NM_001292063.2 (MANE Select); coding-DNA position 4172, G replaced by A.
Protein change: p.Gly1391Glu; replaces glycine 1391 with glutamic acid.
Molecular consequence: missense variant.
Genome position (GRCh38, 1-based): chr11:17,608,311, G>A. VCF-style: chr11-17608311-G-A. GRCh37 (hg19) VCF-style: chr11-17629858-G-A.
Other names: c.4208G>A, p.Gly1403Glu (NM_001277269.2); short protein forms G1391E, G1403E.
Identifiers: ClinVar variation 4708508 (VCV004708508.1).
Genomic context (GRCh38, chr11:17,608,311, plus strand): 5'-GTGTCTTCACCTGACCCAGAGTTGCTGCCCCATCTCACTTTCTAGATGCCAAGCCCTCGG[G>A]GGCTGCCTACCCCATCTGCGAGTGGCGCTACGATGCCTGTGCCAGCCCCTGCTTCCAAAC-3'
Protein context (NP_001278992.1, residues 1381-1401): LFRLLDAKPS[Gly1391Glu]AAYPICEWRY